The following is an entry in ClinVar:

ClinVar aggregate classification (germline): Uncertain significance (1 of 4 stars; one submission).

Conditions:
PLXNA2-related disorder. Also called: PLXNA2-related condition.

gnomAD v4.1: 76 of 1,614,154 alleles (0.0047%); highest among the groups gnomAD compares: South Asian, 0.081%; 2 homozygotes.

Submission:

PreventionGenetics, part of Exact Sciences
Classification: Uncertain significance for PLXNA2-related condition. Last evaluated: 2025-09-03. Review status: criteria provided, single submitter. Criteria: ACMG Guidelines, 2015. Collection method: clinical testing. Allele origin: germline.
Comment: The PLXNA2 c.146C>A variant is predicted to result in the amino acid substitution p.Thr49Asn. To our knowledge, this variant has not been reported in the literature. This variant is reported in 0.11% of alleles in individuals of South Asian descent in gnomAD. Although we suspect that this variant may be benign, at this time, the clinical significance of this variant is uncertain due to the absence of conclusive functional and genetic evidence.

NM_025179.4(PLXNA2):c.146C>A (p.Thr49Asn)

Gene: PLXNA2 (plexin A2; minus strand). Cytogenetic location: 1q32.2.
Variant type: single nucleotide variant.
Coding change: c.146C>A on transcript NM_025179.4 (MANE Select); coding-DNA position 146, C replaced by A.
Protein change: p.Thr49Asn; replaces threonine 49 with asparagine.
Molecular consequence: missense variant.
Genome position (GRCh38, 1-based): chr1:208,217,777, G>T on the plus strand (C>A on the coding strand, the complement: PLXNA2 is on the minus strand). VCF-style: chr1-208217777-G-T. GRCh37 (hg19) VCF-style: chr1-208391122-G-T.
Other names: short protein forms T49N.
Identifiers: ClinVar variation 4979486 (VCV004979486.1).